The following is an entry in ClinVar:

ClinVar aggregate classification (germline): Likely benign (1 of 4 stars; one submission).

Allele frequency attached by ClinVar (database versions not stated): ExAC 0.00013; 1000 Genomes Project 30x 0.00016; 1000 Genomes Project 0.00020; ESP Exome Variant Server 0.00025; gnomAD exomes 0.00025.
gnomAD v4.1: 384 of 1,614,150 alleles (0.024%); highest among the groups gnomAD compares: Non-Finnish European, 0.031%; no homozygotes.

Submission:

CeGaT Center for Human Genetics Tuebingen
Classification: Likely benign. Last evaluated: 2023-04-01. Review status: criteria provided, single submitter. Criteria: CeGaT Center For Human Genetics Tuebingen Variant Classification Criteria Version 2. Collection method: clinical testing. Allele origin: germline. Affected: yes. Observed: 1 variant allele.
Comment: ADAMTS16: BP4, BP7

NM_139056.4(ADAMTS16):c.3327C>T (p.Cys1109=)

Gene: ADAMTS16 (ADAM metallopeptidase with thrombospondin type 1 motif 16; plus strand). Cytogenetic location: 5p15.32.
Variant type: single nucleotide variant.
Coding change: c.3327C>T on transcript NM_139056.4 (MANE Select); coding-DNA position 3327, C replaced by T.
Protein change: p.Cys1109=; no amino-acid change (cysteine 1109 retained).
Molecular consequence: synonymous variant. On other transcripts: non-coding transcript variant (1).
Genome position (GRCh38, 1-based): chr5:5,306,644, C>T. VCF-style: chr5-5306644-C-T. GRCh37 (hg19) VCF-style: chr5-5306757-C-T.
Identifiers: ClinVar variation 2655286 (VCV002655286.24), dbSNP rs199905954, ClinGen allele CA3190313.